The following is an entry in ClinVar:

NM_002470.4(MYH3):c.1443C>T (p.Phe481=)

Gene: MYH3 (myosin heavy chain 3; minus strand). Cytogenetic location: 17p13.1.
Variant type: single nucleotide variant.
Coding change: c.1443C>T on transcript NM_002470.4 (MANE Select); coding-DNA position 1443, C replaced by T.
Protein change: p.Phe481=; no amino-acid change (phenylalanine 481 retained).
Molecular consequence: synonymous variant.
Genome position (GRCh38, 1-based): chr17:10,642,964, G>A on the plus strand (C>T on the coding strand, the complement: MYH3 is on the minus strand). VCF-style: chr17-10642964-G-A. GRCh37 (hg19) VCF-style: chr17-10546281-G-A.
Identifiers: ClinVar variation 3028963 (VCV003028963.2), dbSNP rs2508614204, ClinGen allele CA497868107.

ClinVar aggregate classification (germline): Likely benign (0 of 4 stars; one submission).

Conditions:
MYH3-related disorder. Also called: MYH3-related condition; MYH3-Related Disorders. Identifiers: MedGen CN239329.

gnomAD v4.1: 1 of 1,614,198 alleles (0.000062%); no homozygotes.

Submission:

PreventionGenetics, part of Exact Sciences
Classification: Likely benign for MYH3-related condition. Last evaluated: 2023-08-02. Review status: no assertion criteria provided. Collection method: clinical testing. Allele origin: germline.
Comment: This variant is classified as likely benign based on ACMG/AMP sequence variant interpretation guidelines (Richards et al. 2015 PMID: 25741868, with internal and published modifications).